The following is an entry in ClinVar:

NM_000404.4(GLB1):c.802G>C (p.Glu268Gln)

Gene: GLB1 (galactosidase beta 1; minus strand). Cytogenetic location: 3p22.3.
Variant type: single nucleotide variant.
Coding change: c.802G>C on transcript NM_000404.4 (MANE Select); coding-DNA position 802, G replaced by C.
Protein change: p.Glu268Gln; replaces glutamic acid 268 with glutamine.
Molecular consequence: missense variant.
Genome position (GRCh38, 1-based): chr3:33,051,995, C>G on the plus strand (G>C on the coding strand, the complement: GLB1 is on the minus strand). VCF-style: chr3-33051995-C-G. GRCh37 (hg19) VCF-style: chr3-33093487-C-G.
Other names: c.712G>C, p.Glu238Gln (NM_001079811.3); c.409G>C, p.Glu137Gln (NM_001135602.3); c.946G>C, p.Glu316Gln (NM_001317040.2); c.802G>C, p.Glu268Gln (NM_001393580.1); short protein forms E238Q, E137Q, E268Q, E316Q.
Identifiers: ClinVar variation 2089605 (VCV002089605.4), dbSNP rs2471375206, ClinGen allele CA352001711.
Genomic context (GRCh38, chr3:33,051,995, plus strand): 5'-CTTCGGTCTTGATTGTGGAGTGAGGTTGGCCCCAGTGATCTAGCCAGCCAGTATAGAATT[C>G]AGAATTGATCTAAAACAAAAAAAGAACGTAGCCCTTAGGATAGACTTATGACCTTCCAAT-3'
Protein context (NP_000395.3, residues 258-278): CEPKGPLINS[Glu268Gln]FYTGWLDHWG

ClinVar aggregate classification (germline): Pathogenic (1 of 4 stars; one submission).

Conditions:
GM1 gangliosidosis. Identifiers: Orphanet 354, MedGen C0085131, MONDO:0018149.
Mucopolysaccharidosis, MPS-IV-B (MPS4B). Also called: MORQUIO SYNDROME B; Mucopolysaccharidosis Type IVB (Morquio B Disease); Mucopolysaccharidosis type IV B; Mucopolysaccharidosis Type IVB; Mucopolysaccharidosis type 4B; Mucopolysaccharidosis type IVB (Morquio). Identifiers: Orphanet 309310, Orphanet 582, MedGen C0086652, MONDO:0009660, OMIM 253010.

Allele frequency attached by ClinVar (database versions not stated): gnomAD exomes below 0.00001.
gnomAD v4.1: 4 of 1,614,130 alleles (0.00025%); highest among the groups gnomAD compares: Non-Finnish European, 0.00034%; no homozygotes.

Submission:

Labcorp Genetics (formerly Invitae), Labcorp
Classification: Pathogenic for Mucopolysaccharidosis, MPS-IV-B; GM1 gangliosidosis. Last evaluated: 2023-10-13. Review status: criteria provided, single submitter. Criteria: Invitae Variant Classification Sherloc (09022015). Collection method: clinical testing. Allele origin: germline.
Comment: This sequence change replaces glutamic acid, which is acidic and polar, with glutamine, which is neutral and polar, at codon 268 of the GLB1 protein (p.Glu268Gln). This variant is not present in population databases (gnomAD no frequency). This missense change has been observed in individual(s) with clinical features of GM1-gangliosidosis (Invitae). In at least one individual the data is consistent with being in trans (on the opposite chromosome) from a pathogenic variant. ClinVar contains an entry for this variant (Variation ID: 2089605). Advanced modeling of protein sequence and biophysical properties (such as structural, functional, and spatial information, amino acid conservation, physicochemical variation, residue mobility, and thermodynamic stability) performed at Invitae indicates that this missense variant is expected to disrupt GLB1 protein function. For these reasons, this variant has been classified as Pathogenic.